The following is an entry in ClinVar:

NM_000051.4(ATM):c.1746C>G (p.Phe582Leu)

Gene: ATM (ATM serine/threonine kinase; plus strand). Cytogenetic location: 11q22.3.
Variant type: single nucleotide variant.
Coding change: c.1746C>G on transcript NM_000051.4 (MANE Select); coding-DNA position 1746, C replaced by G.
Protein change: p.Phe582Leu; replaces phenylalanine 582 with leucine.
Molecular consequence: missense variant.
Genome position (GRCh38, 1-based): chr11:108,251,975, C>G. VCF-style: chr11-108251975-C-G. GRCh37 (hg19) VCF-style: chr11-108122702-C-G.
Other names: c.1746C>G, p.Phe582Leu (NM_001351834.2); short protein forms F582L.
Identifiers: ClinVar variation 482674 (VCV000482674.16), dbSNP rs145629926, ClinGen allele CA382535349.

ClinVar aggregate classification (germline): Benign/Likely benign. Review status: criteria provided, multiple submitters, no conflicts (2 of 4 stars). 3 submissions from 3 submitters: Benign (2); Likely benign (1). Last evaluated 2025-01-16.

Conditions:
Hereditary cancer-predisposing syndrome. Also called: Hereditary neoplastic syndrome; Neoplastic Syndromes, Hereditary; Tumor predisposition; Hereditary Cancer Syndrome. Identifiers: Orphanet 140162, MedGen C0027672, MeSH D009386, MONDO:0015356.
Familial cancer of breast. Also called: BREAST CANCER, FAMILIAL; Hereditary breast cancer; hereditary breast carcinoma. Identifiers: Orphanet 227535, MedGen C0346153, MONDO:0016419, OMIM 114480. Disease mechanism: loss of function.
Ataxia-telangiectasia syndrome (AT). Also called: LOUIS-BAR SYNDROME; Cerebello-oculocutaneous telangiectasia; Immunodeficiency with ataxia telangiectasia; AT, COMPLEMENTATION GROUP C; Ataxia-telangiectasia, complementation group D; ATAXIA-TELANGIECTASIA, COMPLEMENTATION GROUP A. Identifiers: Orphanet 100, MedGen C0004135, MONDO:0008840, OMIM 208900.

Submissions (3):

Myriad Genetics, Inc.
Classification: Benign for Familial cancer of breast. Last evaluated: 2025-01-16. Review status: criteria provided, single submitter. Criteria: Myriad Autosomal Dominant, Autosomal Recessive and X-Linked Classification Criteria (2023). Collection method: clinical testing. Allele origin: unknown.
Comment: This variant is considered benign. This variant is strongly associated with less severe personal and family histories of cancer, typical for individuals without pathogenic variants in this gene [PMID: 25085752]. This variant has been observed at a population frequency that is significantly greater than expected given the associated disease prevalence and penetrance.

Labcorp Genetics (formerly Invitae), Labcorp
Classification: Benign for Ataxia-telangiectasia syndrome. Last evaluated: 2020-10-07. Review status: criteria provided, single submitter. Criteria: Invitae Variant Classification Sherloc (09022015). Collection method: clinical testing. Allele origin: germline.

Ambry Genetics
Classification: Likely benign for Hereditary cancer-predisposing syndrome. Last evaluated: 2017-01-04. Review status: criteria provided, single submitter. Criteria: Ambry Variant Classification Scheme 2023. Collection method: clinical testing. Allele origin: germline.

Literature cited by the submitters: PubMed 25085752 (cited by Myriad Genetics, Inc.); PubMed 11996792 (cited by Ambry Genetics); PubMed 16574953 (cited by Ambry Genetics); PubMed 22529920 (cited by Ambry Genetics); PubMed 24728327 (cited by Ambry Genetics); PubMed 27153395 (cited by Ambry Genetics).